The following is an entry in ClinVar:

ClinVar aggregate classification (germline): Uncertain significance. Review status: criteria provided, single submitter (1 of 4 stars). 2 submissions from 2 submitters: Uncertain significance (1). 1 of the submissions does not count toward it. Last evaluated 2021-03-16.

Conditions:
Microcephalic osteodysplastic primordial dwarfism type II (MOPD2). Also called: MOPD II; OSTEODYSPLASTIC PRIMORDIAL DWARFISM, TYPE II; Microcephalic osteodysplastic primordial dwarfism with tooth abnormalities. Identifiers: Orphanet 2637, MedGen C0432246, MONDO:0008872, OMIM 210720.
PCNT-related disorder. Also called: PCNT-related condition.

Allele frequency attached by ClinVar (database versions not stated): TOPMed 0.00002; gnomAD 0.00003; ESP Exome Variant Server 0.00008.
gnomAD v4.1: 20 of 1,612,410 alleles (0.0012%); highest among the groups gnomAD compares: Non-Finnish European, 0.0014%; no homozygotes.

Submissions (2):

ARUP Laboratories, Molecular Genetics and Genomics, ARUP Laboratories
Classification: Uncertain significance for Microcephalic osteodysplastic primordial dwarfism type II. Last evaluated: 2021-03-16. Review status: criteria provided, single submitter. Criteria: ARUP Molecular Germline Variant Investigation Process 2021. Collection method: clinical testing. Allele origin: germline.
Comment: The PCNT c.8290G>C, p.Glu2764Gln variant (rs372871511), to our knowledge, has not been reported in the medical literature or gene specific databases. This variant is found in the general population with an overall allele frequency of 0.003% (7/247,798 alleles) in the Genome Aggregation Database. The glutamic acid at codon 2764 is highly conserved, but computational analyses are uncertain whether this variant is neutral or deleterious (REVEL: 0.196). Thus far, only truncating variants in PCNT have been associated with disease (Rauch 2008, Willems 2010). However, based on the available information, the clinical significance of this variant is uncertain.

PreventionGenetics, part of Exact Sciences
Classification: Uncertain significance for PCNT-related condition. Last evaluated: 2024-03-21. Review status: no assertion criteria provided. Collection method: clinical testing. Allele origin: germline. Not counted in ClinVar's aggregate classification.
Comment: The PCNT c.8290G>C variant is predicted to result in the amino acid substitution p.Glu2764Gln. To our knowledge, this variant has not been reported in the literature. This variant is reported in 0.0099% of alleles in individuals of European (Finnish) descent in gnomAD. At this time, the clinical significance of this variant is uncertain due to the absence of conclusive functional and genetic evidence.

NM_006031.6(PCNT):c.8290G>C (p.Glu2764Gln)

Gene: PCNT (pericentrin; plus strand). Cytogenetic location: 21q22.3.
Variant type: single nucleotide variant.
Coding change: c.8290G>C on transcript NM_006031.6 (MANE Select); coding-DNA position 8290, G replaced by C.
Protein change: p.Glu2764Gln; replaces glutamic acid 2764 with glutamine.
Molecular consequence: missense variant.
Genome position (GRCh38, 1-based): chr21:46,431,754, G>C. VCF-style: chr21-46431754-G-C. GRCh37 (hg19) VCF-style: chr21-47851668-G-C.
Other names: c.7936G>C, p.Glu2646Gln (NM_001315529.2); c.8290G>C (NM_006031.5); short protein forms E2646Q, E2764Q.
Identifiers: ClinVar variation 1330527 (VCV001330527.8), dbSNP rs372871511, ClinGen allele CA10080931.